The following is an entry in ClinVar:

NM_000268.4(NF2):c.674G>C (p.Arg225Pro)

Gene: NF2 (NF2, moesin-ezrin-radixin like (MERLIN) tumor suppressor; plus strand). Cytogenetic location: 22q12.2.
Variant type: single nucleotide variant.
Coding change: c.674G>C on transcript NM_000268.4 (MANE Select); coding-DNA position 674, G replaced by C.
Protein change: p.Arg225Pro; replaces arginine 225 with proline.
Molecular consequence: missense variant. On other transcripts: intron variant (1).
Genome position (GRCh38, 1-based): chr22:29,658,263, G>C. VCF-style: chr22-29658263-G-C. GRCh37 (hg19) VCF-style: chr22-30054252-G-C.
Other names: c.560G>C, p.Arg187Pro (NM_001407053.1, NM_001407056.1); c.551G>C, p.Arg184Pro (NM_001407054.1, NM_001407058.1, NM_001407062.1 and 1 more transcripts); c.548G>C, p.Arg183Pro (NM_001407055.1, NM_181828.3); c.674G>C, p.Arg225Pro (NM_001407057.1, NM_001407059.1, NM_001407060.1 and 4 more transcripts); c.425G>C, p.Arg142Pro (NM_001407063.1, NM_001407064.1, NM_181830.3 and 1 more transcripts); c.140G>C, p.Arg47Pro (NM_001407065.1); c.443G>C, p.Arg148Pro (NM_001407067.1); c.447+15978G>C (NM_181833.3); short protein forms R225P, R142P, R183P, R47P, R148P, R184P, R187P.
Identifiers: ClinVar variation 2453844 (VCV002453844.2), dbSNP rs543087642, ClinGen allele CA411143135.
Genomic context (GRCh38, chr22:29,658,263, plus strand): 5'-TGGAATATCTGAAGATAGCTCAGGACCTGGAGATGTACGGTGTGAACTACTTTGCAATCC[G>C]GGTGTGTTGAAACCTCTCTGAGCTCCTTGTGTAGTAGACAGAGACTGAGTGAGGGCCAGA-3'
Protein context (NP_000259.1, residues 215-235): EMYGVNYFAI[Arg225Pro]NKKGTELLLG

ClinVar aggregate classification (germline): Uncertain significance (1 of 4 stars; one submission).

Conditions:
Hereditary cancer-predisposing syndrome. Also called: Neoplastic Syndromes, Hereditary; Hereditary neoplastic syndrome; Tumor predisposition; Hereditary Cancer Syndrome. Identifiers: Orphanet 140162, MedGen C0027672, MeSH D009386, MONDO:0015356.

Submission:

Ambry Genetics
Classification: Uncertain significance for Hereditary cancer-predisposing syndrome. Last evaluated: 2023-02-27. Review status: criteria provided, single submitter. Criteria: Ambry Variant Classification Scheme 2023. Collection method: clinical testing. Allele origin: germline.
Comment: The p.R225P variant (also known as c.674G>C), located in coding exon 7 of the NF2 gene, results from a G to C substitution at nucleotide position 674. The arginine at codon 225 is replaced by proline, an amino acid with dissimilar properties. This amino acid position is conserved. In addition, this alteration is predicted to be deleterious by in silico analysis. Since supporting evidence is limited at this time, the clinical significance of this alteration remains unclear.